The following is an entry in ClinVar:

ClinVar aggregate classification (germline): Likely benign (1 of 4 stars; one submission).

Allele frequency attached by ClinVar (database versions not stated): 1000 Genomes Project 0.00180; 1000 Genomes Project 30x 0.00187; ESP Exome Variant Server 0.00467.
gnomAD v4.1: 9,303 of 1,552,362 alleles (0.6%); highest among the groups gnomAD compares: Non-Finnish European, 0.74%; 49 homozygotes.

Submission:

CeGaT Center for Human Genetics Tuebingen
Classification: Likely benign. Last evaluated: 2022-12-01. Review status: criteria provided, single submitter. Criteria: CeGaT Center For Human Genetics Tuebingen Variant Classification Criteria Version 2. Collection method: clinical testing. Allele origin: germline. Affected: yes. Observed: 1 variant allele.
Comment: WDR77: BP4, BP7, BS2

NM_024102.4(WDR77):c.630G>T (p.Ala210=)

Gene: WDR77 (WD repeat domain 77; minus strand). Cytogenetic location: 1p13.2.
Variant type: single nucleotide variant.
Coding change: c.630G>T on transcript NM_024102.4 (MANE Select); coding-DNA position 630, G replaced by T.
Protein change: p.Ala210=; no amino-acid change (alanine 210 retained).
Molecular consequence: synonymous variant. On other transcripts: non-coding transcript variant (1).
Genome position (GRCh38, 1-based): chr1:111,443,384, C>A on the plus strand (G>T on the coding strand, the complement: WDR77 is on the minus strand). VCF-style: chr1-111443384-C-A. GRCh37 (hg19) VCF-style: chr1-111986006-C-A.
Other names: c.630G>T, p.Ala210= (NM_001317062.2, NM_001317063.2); c.438G>T, p.Ala146= (NM_001317064.2).
Identifiers: ClinVar variation 2638993 (VCV002638993.24), dbSNP rs116374713, ClinGen allele CA1004912.